The following is an entry in ClinVar:

ClinVar aggregate classification (germline): Uncertain significance (1 of 4 stars; one submission).

Conditions:
Tumor predisposition syndrome 3 (TPDS3). Also called: Melanoma, cutaneous malignant, susceptibility to, 10; Glioma susceptibility 9; LONG TELOMERE SYNDROME, POT1-RELATED; POT1 Tumor Predisposition. Identifiers: Orphanet 618, MedGen C4014476, MONDO:0014368, OMIM 615848.

Submission:

Labcorp Genetics (formerly Invitae), Labcorp
Classification: Uncertain significance for Tumor predisposition syndrome 3. Last evaluated: 2025-10-07. Review status: criteria provided, single submitter. Criteria: Invitae Variant Classification Sherloc (09022015). Collection method: clinical testing. Allele origin: germline.
Comment: This sequence change replaces isoleucine, which is neutral and non-polar, with valine, which is neutral and non-polar, at codon 494 of the POT1 protein (p.Ile494Val). This variant is not present in population databases (gnomAD no frequency). This variant has not been reported in the literature in individuals affected with POT1-related conditions. Invitae Evidence Modeling of protein sequence and biophysical properties (such as structural, functional, and spatial information, amino acid conservation, physicochemical variation, residue mobility, and thermodynamic stability) indicates that this missense variant is not expected to disrupt POT1 protein function with a negative predictive value of 80%. In summary, the available evidence is currently insufficient to determine the role of this variant in disease. Therefore, it has been classified as a Variant of Uncertain Significance.

NM_015450.3(POT1):c.1480A>G (p.Ile494Val)

Gene: POT1 (protection of telomeres 1; minus strand). Cytogenetic location: 7q31.33.
Variant type: single nucleotide variant.
Coding change: c.1480A>G on transcript NM_015450.3 (MANE Select); coding-DNA position 1480, A replaced by G.
Protein change: p.Ile494Val; replaces isoleucine 494 with valine.
Molecular consequence: missense variant. On other transcripts: non-coding transcript variant (3).
Genome position (GRCh38, 1-based): chr7:124,835,304, T>C on the plus strand (A>G on the coding strand, the complement: POT1 is on the minus strand). VCF-style: chr7-124835304-T-C. GRCh37 (hg19) VCF-style: chr7-124475358-T-C.
Other names: c.1087A>G, p.Ile363Val (NM_001042594.2); short protein forms I494V, I363V.
Identifiers: ClinVar variation 4741147 (VCV004741147.1).
Genomic context (GRCh38, chr7:124,835,304, plus strand): 5'-AACAAAACAAAACAAAACAAAACAAAACAAAATACCCATAGTGATGTATTGTTCCTTGTA[T>C]AAGAAATGGTGCTGAAAGGTCCAAAAGTTCCAGGTCTTCGTGGCCAGATCTCACAGGAAT-3'
Protein context (NP_056265.2, residues 484-504): ELLDLSAPFL[Ile494Val]QGTIHHYGCK